The following is an entry in ClinVar:

ClinVar aggregate classification (germline): Pathogenic (1 of 4 stars; one submission).

Conditions:
Intellectual developmental disorder, autosomal dominant 50, with behavioral abnormalities. Also called: MENTAL RETARDATION, AUTOSOMAL DOMINANT 50; Intellectual disability, autosomal dominant 50. Identifiers: MedGen C4540470, MONDO:0030916, OMIM 617787.

Submission:

3billion
Classification: Pathogenic for Intellectual developmental disorder, autosomal dominant 50, with behavioral abnormalities. Last evaluated: 2021-10-02. Review status: criteria provided, single submitter. Criteria: ACMG Guidelines, 2015. Collection method: clinical testing. Allele origin: germline. Affected: yes. Observed: 1 heterozygote.
Comment: Frameshift: predicted to result in a loss or disruption of normal protein function through nonsense-mediated decay (NMD) or protein truncation. Multiple pathogenic variants are reported downstream of the variant (PVS1_VS). The variant was observed as assumed (i.e. paternity and maternity not confirmed) de novoo (3billion dataset, PM6). It is not observed in the gnomAD v2.1.1 dataset (PM2). Therefore, this variant is classified as pathogenic according to the recommendation of ACMG/AMP guideline.

NM_057175.5(NAA15):c.1720dup (p.Thr574fs)

Gene: NAA15 (N-alpha-acetyltransferase 15, NatA auxiliary subunit; plus strand). Cytogenetic location: 4q31.1.
Variant type: Duplication.
Coding change: c.1720dup on transcript NM_057175.5 (MANE Select); coding-DNA position 1720, one base duplicated (A; older notation c.1720dupA).
Protein change: p.Thr574fs; shifts the reading frame from threonine 574.
Molecular consequence: frameshift variant.
Genome position (GRCh38, 1-based): chr4:139,361,904, A duplicated. VCF-style (leftmost placement, unchanged base first): chr4-139361903-T-TA. GRCh37 (hg19) VCF-style: chr4-140283057-T-TA.
Other names: short protein forms T574fs.
Identifiers: ClinVar variation 1320186 (VCV001320186.1), dbSNP rs2110960030, ClinGen allele CA2573052301.